The following is an entry in ClinVar:

NM_000455.5(STK11):c.1192G>A (p.Ala398Thr)

Gene: STK11 (serine/threonine kinase 11; plus strand). Cytogenetic location: 19p13.3.
Variant type: single nucleotide variant.
Coding change: c.1192G>A on transcript NM_000455.5 (MANE Select); coding-DNA position 1192, G replaced by A.
Protein change: p.Ala398Thr; replaces alanine 398 with threonine.
Molecular consequence: missense variant.
Genome position (GRCh38, 1-based): chr19:1,226,537, G>A. VCF-style: chr19-1226537-G-A. GRCh37 (hg19) VCF-style: chr19-1226536-G-A.
Other names: short protein forms A398T.
Identifiers: ClinVar variation 1064263 (VCV001064263.9), dbSNP rs2145436152, ClinGen allele CA402953628.
Genomic context (GRCh38, chr19:1,226,537, plus strand): 5'-AGTCACAATGGACAGCGCCGGGGCCTCCCCAAGGCCGTGTGTATGAACGGCACAGAGGCG[G>A]CGCAGCTGAGCACCAAATCCAGGGCGGAGGGCCGGGCCCCCAACCCTGCCCGCAAGGCCT-3'
Protein context (NP_000446.1, residues 388-408): KAVCMNGTEA[Ala398Thr]QLSTKSRAEG

ClinVar aggregate classification (germline): Uncertain significance (1 of 4 stars; one submission).

Conditions:
Peutz-Jeghers syndrome (PJS). Also called: POLYPOSIS, HAMARTOMATOUS INTESTINAL; POLYPS-AND-SPOTS SYNDROME; Peutz-Jeghers polyposis; Periorificial lentiginosis syndrome. Identifiers: Orphanet 2869, MedGen C0031269, MeSH D010580, MONDO:0008280, OMIM 175200.

gnomAD v4.1: 2 of 1,605,710 alleles (0.00012%); highest among the groups gnomAD compares: East Asian, 0.0045%; no homozygotes.

Submission:

Labcorp Genetics (formerly Invitae), Labcorp
Classification: Uncertain significance for Peutz-Jeghers syndrome. Last evaluated: 2020-06-13. Review status: criteria provided, single submitter. Criteria: Invitae Variant Classification Sherloc (09022015). Collection method: clinical testing. Allele origin: germline.
Comment: In summary, the available evidence is currently insufficient to determine the role of this variant in disease. Therefore, it has been classified as a Variant of Uncertain Significance. Algorithms developed to predict the effect of missense changes on protein structure and function output the following: SIFT: "Tolerated"; PolyPhen-2: "Benign"; Align-GVGD: "Class C0". The threonine amino acid residue is found in multiple mammalian species, suggesting that this missense change does not adversely affect protein function. These predictions have not been confirmed by published functional studies and their clinical significance is uncertain. This variant has been observed in individual(s) with breast cancer (PMID: 30287823). This variant is not present in population databases (ExAC no frequency). This sequence change replaces alanine with threonine at codon 398 of the STK11 protein (p.Ala398Thr). The alanine residue is weakly conserved and there is a small physicochemical difference between alanine and threonine.

Literature cited by the submitters: PubMed 30287823.